The following is an entry in ClinVar:

NM_004568.6(SERPINB6):c.290A>G (p.Glu97Gly)

Gene: SERPINB6 (serpin family B member 6; minus strand). Cytogenetic location: 6p25.2.
Variant type: single nucleotide variant.
Coding change: c.290A>G on transcript NM_004568.6 (MANE Select); coding-DNA position 290, A replaced by G.
Protein change: p.Glu97Gly; replaces glutamic acid 97 with glycine.
Molecular consequence: missense variant. On other transcripts: non-coding transcript variant (1).
Genome position (GRCh38, 1-based): chr6:2,955,546, T>C on the plus strand (A>G on the coding strand, the complement: SERPINB6 is on the minus strand). VCF-style: chr6-2955546-T-C. GRCh37 (hg19) VCF-style: chr6-2955780-T-C.
Other names: c.302A>G, p.Glu101Gly (NM_001195291.3, NM_001374515.1); c.332A>G, p.Glu111Gly (NM_001271822.2); c.347A>G, p.Glu116Gly (NM_001271823.2); c.290A>G, p.Glu97Gly (NM_001271824.2, NM_001271825.2, NM_001297699.2 and 2 more transcripts); c.158A>G, p.Glu53Gly (NM_001374517.1); short protein forms E101G, E111G, E116G, E53G, E97G.
Identifiers: ClinVar variation 1064918 (VCV001064918.3), dbSNP rs2113203054, ClinGen allele CA362585083.

ClinVar aggregate classification (germline): Uncertain significance (1 of 4 stars; one submission).

Conditions:
Hearing impairment. Also called: Impaired Hearing. Identifiers: MedGen C1384666, MONDO:0005365, HP:0000365.

Submission:

Department of Otolaryngology – Head & Neck Surgery, Cochlear Implant Center
Classification: Uncertain significance for Hearing impairment. Last evaluated: 2021-04-12. Review status: criteria provided, single submitter. Criteria: ClinGen HL ACMG Specifications v1. Collection method: clinical testing. Allele origin: germline. Affected: yes.
Comment: PM2_Moderate, PP3_Supporting